The following is an entry in ClinVar:

NM_020778.5(ALPK3):c.3605C>T (p.Pro1202Leu)

Gene: ALPK3 (alpha kinase 3; plus strand). Cytogenetic location: 15q25.3.
Variant type: single nucleotide variant.
Coding change: c.3605C>T on transcript NM_020778.5 (MANE Select); coding-DNA position 3605, C replaced by T.
Protein change: p.Pro1202Leu; replaces proline 1202 with leucine.
Molecular consequence: missense variant.
Genome position (GRCh38, 1-based): chr15:84,858,343, C>T. VCF-style: chr15-84858343-C-T. GRCh37 (hg19) VCF-style: chr15-85401574-C-T.
Other names: short protein forms P1202L.
Identifiers: ClinVar variation 1951316 (VCV001951316.7), dbSNP rs2505722423, ClinGen allele CA393360600.

ClinVar aggregate classification (germline): Uncertain significance. Review status: criteria provided, multiple submitters, no conflicts (2 of 4 stars). 2 submissions from 2 submitters: Uncertain significance (2). Last evaluated 2025-08-16.

Submissions (2):

Labcorp Genetics (formerly Invitae), Labcorp
Classification: Uncertain significance. Last evaluated: 2025-08-16. Review status: criteria provided, single submitter. Criteria: Invitae Variant Classification Sherloc (09022015). Collection method: clinical testing. Allele origin: germline.
Comment: This sequence change replaces proline, which is neutral and non-polar, with leucine, which is neutral and non-polar, at codon 1404 of the ALPK3 protein (p.Pro1404Leu). This variant is not present in population databases (gnomAD no frequency). This variant has not been reported in the literature in individuals affected with ALPK3-related conditions. ClinVar contains an entry for this variant (Variation ID: 1951316). Invitae Evidence Modeling of protein sequence and biophysical properties (such as structural, functional, and spatial information, amino acid conservation, physicochemical variation, residue mobility, and thermodynamic stability) indicates that this missense variant is expected to disrupt ALPK3 protein function with a positive predictive value of 80%. In summary, the available evidence is currently insufficient to determine the role of this variant in disease. Therefore, it has been classified as a Variant of Uncertain Significance.

Women's Health and Genetics/Laboratory Corporation of America, LabCorp
Classification: Uncertain significance. Last evaluated: 2025-04-14. Review status: criteria provided, single submitter. Criteria: LabCorp Variant Classification Summary - May 2015. Collection method: clinical testing. Allele origin: germline.